The following is an entry in ClinVar:

ClinVar aggregate classification (germline): Uncertain significance. Review status: criteria provided, multiple submitters, no conflicts (2 of 4 stars). 2 submissions from 2 submitters: Uncertain significance (2). Last evaluated 2024-10-29.

Allele frequency attached by ClinVar (database versions not stated): gnomAD exomes below 0.00001 and 0.00001; ExAC 0.00002.
gnomAD v4.1: 2 of 1,614,156 alleles (0.00012%); highest among the groups gnomAD compares: Non-Finnish European, 0.000085%; no homozygotes.

Submissions (2):

Blueprint Genetics
Classification: Uncertain significance. Last evaluated: 2024-10-29. Review status: criteria provided, single submitter. Criteria: ACMG Guidelines, 2015. Collection method: clinical testing. Allele origin: germline.

Labcorp Genetics (formerly Invitae), Labcorp
Classification: Uncertain significance. Last evaluated: 2022-10-17. Review status: criteria provided, single submitter. Criteria: Invitae Variant Classification Sherloc (09022015). Collection method: clinical testing. Allele origin: germline.
Comment: This sequence change replaces histidine, which is basic and polar, with arginine, which is basic and polar, at codon 462 of the TULP1 protein (p.His462Arg). This variant is present in population databases (rs773507942, gnomAD 0.006%). This variant has not been reported in the literature in individuals affected with TULP1-related conditions. ClinVar contains an entry for this variant (Variation ID: 958321). Advanced modeling of protein sequence and biophysical properties (such as structural, functional, and spatial information, amino acid conservation, physicochemical variation, residue mobility, and thermodynamic stability) has been performed at Invitae for this missense variant, however the output from this modeling did not meet the statistical confidence thresholds required to predict the impact of this variant on TULP1 protein function. In summary, the available evidence is currently insufficient to determine the role of this variant in disease. Therefore, it has been classified as a Variant of Uncertain Significance.

NM_003322.6(TULP1):c.1385A>G (p.His462Arg)

Gene: TULP1 (TUB like protein 1; minus strand). Cytogenetic location: 6p21.31.
Variant type: single nucleotide variant.
Coding change: c.1385A>G on transcript NM_003322.6 (MANE Select); coding-DNA position 1385, A replaced by G.
Protein change: p.His462Arg; replaces histidine 462 with arginine.
Molecular consequence: missense variant.
Genome position (GRCh38, 1-based): chr6:35,500,091, T>C on the plus strand (A>G on the coding strand, the complement: TULP1 is on the minus strand). VCF-style: chr6-35500091-T-C. GRCh37 (hg19) VCF-style: chr6-35467868-T-C.
Other names: c.1226A>G, p.His409Arg (NM_001289395.2); short protein forms H462R, H409R.
Identifiers: ClinVar variation 958321 (VCV000958321.8), dbSNP rs773507942, ClinGen allele CA3772559.
Genomic context (GRCh38, chr6:35,500,091, plus strand): 5'-CGGCCTTGGAAGTTGAGGGTGTAGGAGCCACTGTCATCGTTCCAGACAGGTGGCTTGTTG[T>C]GCAGTTCTATGAGGCTCTCCAGCGTCTTGTTCTGCCAGCGCACCAGCAGGCCGTCACTAG-3'
Protein context (NP_003313.3, residues 452-472): NKTLESLIEL[His462Arg]NKPPVWNDDS